The following is an entry in ClinVar:

NM_000785.4(CYP27B1):c.1474C>G (p.Arg492Gly)

Gene: CYP27B1 (cytochrome P450 family 27 subfamily B member 1; minus strand). Cytogenetic location: 12q14.1.
Variant type: single nucleotide variant.
Coding change: c.1474C>G on transcript NM_000785.4 (MANE Select); coding-DNA position 1474, C replaced by G.
Protein change: p.Arg492Gly; replaces arginine 492 with glycine.
Molecular consequence: missense variant.
Genome position (GRCh38, 1-based): chr12:57,763,195, G>C on the plus strand (C>G on the coding strand, the complement: CYP27B1 is on the minus strand). VCF-style: chr12-57763195-G-C. GRCh37 (hg19) VCF-style: chr12-58156978-G-C.
Other names: short protein forms R492G.
Identifiers: ClinVar variation 3336025 (VCV003336025.2).

ClinVar aggregate classification (germline): Conflicting classifications of pathogenicity. Review status: criteria provided, conflicting classifications (1 of 4 stars). 2 submissions from 2 submitters: Likely pathogenic (1); Uncertain significance (1). Last evaluated 2024-06-03.

Conditions:
Vitamin D-dependent rickets, type 1A. Also called: VITAMIN D HYDROXYLATION-DEFICIENT RICKETS, TYPE 1A; PDDR IA; PSEUDOVITAMIN D-DEFICIENCY RICKETS, TYPE IA. Identifiers: MedGen CN283242, MONDO:0020723, OMIM 264700.

Submissions (2):

Fulgent Genetics
Classification: Likely pathogenic for Vitamin D-dependent rickets, type 1A. Last evaluated: 2024-06-03. Review status: criteria provided, single submitter. Criteria: ACMG Guidelines, 2015. Collection method: clinical testing. Allele origin: germline.

Women's Health and Genetics/Laboratory Corporation of America, LabCorp
Classification: Uncertain significance. Last evaluated: 2024-05-30. Review status: criteria provided, single submitter. Criteria: LabCorp Variant Classification Summary - May 2015. Collection method: clinical testing. Allele origin: germline.
Comment: Variant summary: CYP27B1 c.1474C>G (p.Arg492Gly) results in a non-conservative amino acid change in the encoded protein sequence. Four of five in-silico tools predict a damaging effect of the variant on protein function. The variant was absent in 251424 control chromosomes (gnomAD). To our knowledge, no occurrence of c.1474C>G in individuals affected with Vitamin D-dependent rickets and no experimental evidence demonstrating its impact on protein function have been reported. Another missense variant affecting this amino acid (c.1474C>T, p.Arg492Trp) has been determined to be pathogenic, supporting the clinical significance of this residue. No submitters have cited clinical-significance assessments for this variant to ClinVar. Based on the evidence outlined above, the variant was classified as VUS-possibly pathogenic.